The following is an entry in ClinVar:

NM_016180.5(SLC45A2):c.533_534dup (p.Gly179fs)

Gene: SLC45A2 (solute carrier family 45 member 2; minus strand). Cytogenetic location: 5p13.2.
Variant type: Duplication.
Coding change: c.533_534dup on transcript NM_016180.5 (MANE Select); coding-DNA positions 533 to 534, 2 bases duplicated (AG; older notation c.533_534dupAG).
Protein change: p.Gly179fs; shifts the reading frame from glycine 179.
Molecular consequence: frameshift variant.
Genome position (GRCh38, 1-based): chr5:33,982,264-33,982,265, CT duplicated on the plus strand (AG on the coding strand, the reverse complement: SLC45A2 is on the minus strand). VCF-style (leftmost placement, unchanged base first): chr5-33982263-C-CCT. GRCh37 (hg19) VCF-style: chr5-33982368-C-CCT.
Other names: c.533_534dupAG (NM_016180.4); c.533_534dup, p.Gly179fs (NM_001012509.4, NM_001297417.4); short protein forms G179fs.
Identifiers: ClinVar variation 1184503 (VCV001184503.8), dbSNP rs757344228, ClinGen allele CA3225777.
Genomic context (GRCh38, chr5:33,982,263, plus strand): 5'-GCTGAAGGAGAGACTTTCTGGAATATTCCCTACCTGTGAAGAGGGCATGGTAGTGGAGGC[C>CCT]CTTCTCCTTGTCCTGATGGGAGCAGACATCAAATAAGTAGGCTTTGATGGGCCCATCAAT-3'

ClinVar aggregate classification (germline): Pathogenic. Review status: criteria provided, multiple submitters, no conflicts (2 of 4 stars). 3 submissions from 3 submitters: Pathogenic (2). 1 of the submissions does not count toward it. Last evaluated 2024-05-24.

Conditions:
Oculocutaneous albinism type 4 (OCA4). Also called: Albinism, oculocutaneous, type IV. Identifiers: Orphanet 79435, MedGen C1847836, MONDO:0011683, OMIM 606574.
SLC45A2-related disorder. Also called: SLC45A2-related condition.

Allele frequency attached by ClinVar (database versions not stated): gnomAD exomes 0.00002; gnomAD 0.00001; TOPMed 0.00002; ExAC 0.00001.

Submissions (3):

Labcorp Genetics (formerly Invitae), Labcorp
Classification: Pathogenic. Last evaluated: 2024-05-24. Review status: criteria provided, single submitter. Criteria: Invitae Variant Classification Sherloc (09022015). Collection method: clinical testing. Allele origin: germline.
Comment: This sequence change creates a premature translational stop signal (p.Gly179Argfs*23) in the SLC45A2 gene. It is expected to result in an absent or disrupted protein product. Loss-of-function variants in SLC45A2 are known to be pathogenic (PMID: 21458243, 26573111). This variant is present in population databases (rs757344228, gnomAD 0.005%). This premature translational stop signal has been observed in individual(s) with oculocutaneous albinism (PMID: 34078970). ClinVar contains an entry for this variant (Variation ID: 1184503). For these reasons, this variant has been classified as Pathogenic.

PreventionGenetics, part of Exact Sciences
Classification: Pathogenic for SLC45A2-related condition. Last evaluated: 2022-12-09. Review status: criteria provided, single submitter. Criteria: ACMG Guidelines, 2015. Collection method: clinical testing. Allele origin: germline.
Comment: The SLC45A2 c.533_534dupAG variant is predicted to result in a frameshift and premature protein termination (p.Gly179Argfs*23). This variant was reported in the heterozygous state along with a second plausible causative variant in individuals with oculocutaneous albinism (Kruijt et al. 2021. PubMed ID: 34078970). This variant is reported in 0.0046% of alleles in individuals of European (Non-Finnish) descent in gnomAD. Frameshift variants in SLC45A2 are expected to be pathogenic. This variant is interpreted as pathogenic.

Genomics England Pilot Project, Genomics England
Classification: Pathogenic for Oculocutaneous albinism type 4. Review status: no assertion criteria provided. Criteria: ACGS Guidelines, 2016. Collection method: clinical testing. Allele origin: germline. Affected: yes. Not counted in ClinVar's aggregate classification.

Literature cited by the submitters: PubMed 21458243 (cited by Labcorp Genetics (formerly Invitae), Labcorp); PubMed 26573111 (cited by Labcorp Genetics (formerly Invitae), Labcorp); PubMed 34078970 (cited by Labcorp Genetics (formerly Invitae), Labcorp).